The following is an entry in ClinVar:

ClinVar aggregate classification (germline): Uncertain significance (1 of 4 stars; one submission).

Conditions:
Inborn genetic diseases. Identifiers: MedGen C0950123, MeSH D030342.

Submission:

Ambry Genetics
Classification: Uncertain significance for Inborn genetic diseases. Last evaluated: 2026-07-25. Review status: criteria provided, single submitter. Criteria: Ambry Variant Classification Scheme 2023. Collection method: clinical testing. Allele origin: germline.
Comment: The p.S501Y variant (also known as c.1502C>A), located in coding exon 8 of the PIK3CA gene, results from a C to A substitution at nucleotide position 1502. The serine at codon 501 is replaced by tyrosine, an amino acid with dissimilar properties. This amino acid position is conserved. In addition, the in silico prediction for this alteration is inconclusive. Based on the available evidence, the clinical significance of this variant remains unclear.

NM_006218.4(PIK3CA):c.1502C>A (p.Ser501Tyr)

Gene: PIK3CA (phosphatidylinositol-4,5-bisphosphate 3-kinase catalytic subunit alpha; plus strand). Cytogenetic location: 3q26.32.
Variant type: single nucleotide variant.
Coding change: c.1502C>A on transcript NM_006218.4 (MANE Select); coding-DNA position 1502, C replaced by A.
Protein change: p.Ser501Tyr; replaces serine 501 with tyrosine.
Molecular consequence: missense variant.
Genome position (GRCh38, 1-based): chr3:179,210,528, C>A. VCF-style: chr3-179210528-C-A. GRCh37 (hg19) VCF-style: chr3-178928316-C-A.
Other names: short protein forms S501Y.
Identifiers: ClinVar variation 5026694 (VCV005026694.1).